The following is an entry in ClinVar:

NM_078629.4(MSL3):c.735C>A (p.Ile245=)

Gene: MSL3 (MSL complex subunit 3; plus strand). Cytogenetic location: Xp22.2.
Variant type: single nucleotide variant.
Coding change: c.735C>A on transcript NM_078629.4 (MANE Select); coding-DNA position 735, C replaced by A.
Protein change: p.Ile245=; no amino-acid change (isoleucine 245 retained).
Molecular consequence: synonymous variant.
Genome position (GRCh38, 1-based): chrX:11,762,983, C>A. VCF-style: chrX-11762983-C-A. GRCh37 (hg19) VCF-style: chrX-11781102-C-A.
Other names: c.699C>A, p.Ile233= (NM_001193270.2); c.288C>A, p.Ile96= (NM_001282174.1); c.237C>A, p.Ile79= (NM_006800.4); c.735C>A, p.Ile245= (NM_078628.2).
Identifiers: ClinVar variation 2659994 (VCV002659994.24), dbSNP rs143225215, ClinGen allele CA10348836.

ClinVar aggregate classification (germline): Likely benign (1 of 4 stars; one submission).

Allele frequency attached by ClinVar (database versions not stated): gnomAD exomes 0.00013; ExAC 0.00046; gnomAD 0.00129; 1000 Genomes Project 0.00132; TOPMed 0.00138; 1000 Genomes Project 30x 0.00187; ESP Exome Variant Server 0.00237.
gnomAD v4.1: 295 of 1,204,211 alleles (0.024%); highest among the groups gnomAD compares: African/African-American, 0.44%; no homozygotes.

Submission:

CeGaT Center for Human Genetics Tuebingen
Classification: Likely benign. Last evaluated: 2026-04-01. Review status: criteria provided, single submitter. Criteria: CeGaT Center For Human Genetics Tuebingen Variant Classification Criteria Version 2. Collection method: clinical testing. Allele origin: germline. Affected: yes. Observed: 2 variant alleles.
Comment: MSL3: BP4, BP7, BS2